The following is an entry in ClinVar:

ClinVar aggregate classification (germline): Benign (1 of 4 stars; one submission).

Allele frequency attached by ClinVar (database versions not stated): 1000 Genomes Project 30x 0.97908; TOPMed 0.98114; ESP Exome Variant Server 0.98326; gnomAD 0.98343; 1000 Genomes Project 0.98163; ExAC 0.99542; gnomAD exomes 0.99770.
gnomAD v4.1: 514,441 of 517,796 alleles (99%); highest among the groups gnomAD compares: East Asian, 100%; 255,633 homozygotes.

Submission:

Unidad de Genómica Garrahan, Hospital de Pediatría Garrahan
Classification: Benign. Last evaluated: 2023-11-12. Review status: criteria provided, single submitter. Criteria: ACMG Guidelines, 2015. Collection method: clinical testing. Allele origin: germline. Affected: no. Observed: 90 variant alleles.
Comment: This variant is classified as Benign based on local population frequency. This variant was detected in 94% of patients studied by a panel of primary immunodeficiencies. Number of patients: 90. Only high quality variants are reported.

NM_001025107.3(ADAR):c.-912T>C

Gene: ADAR (adenosine deaminase RNA specific; minus strand). Cytogenetic location: 1q21.3.
Variant type: single nucleotide variant.
Coding change: c.-912T>C on transcript NM_001025107.3; 912 bases upstream of the start codon, T replaced by C.
Molecular consequence: 5 prime UTR variant. On other transcripts: intron variant (2).
Genome position (GRCh38, 1-based): chr1:154,627,896, A>G on the plus strand (T>C on the coding strand, the complement: ADAR is on the minus strand). VCF-style: chr1-154627896-A-G. GRCh37 (hg19) VCF-style: chr1-154600372-A-G.
Other names: c.-735+58T>C (NM_001365046.1); c.42+58T>C (NM_001365045.1).
Identifiers: ClinVar variation 2628205 (VCV002628205.2), dbSNP rs6426859, ClinGen allele CA1131834.